The following is an entry in ClinVar:

ClinVar aggregate classification (germline): Pathogenic. Review status: criteria provided, multiple submitters, no conflicts (2 of 4 stars). 2 submissions from 2 submitters: Pathogenic (2). Last evaluated 2025-12-22.

Conditions:
ADGRV1-related disorder. Also called: ADGRV1-related condition; ADGRV1-related disorders.

Allele frequency attached by ClinVar (database versions not stated): gnomAD exomes below 0.00001.
gnomAD v4.1: 1 of 1,586,510 alleles (0.000063%); highest among the groups gnomAD compares: Non-Finnish European, 0.000085%; no homozygotes.

Submissions (2):

Labcorp Genetics (formerly Invitae), Labcorp
Classification: Pathogenic. Last evaluated: 2025-12-22. Review status: criteria provided, single submitter. Criteria: Invitae Variant Classification Sherloc (09022015). Collection method: clinical testing. Allele origin: germline.
Comment: This sequence change affects a donor splice site in intron 46 of the ADGRV1 gene. It is expected to disrupt RNA splicing. Variants that disrupt the donor or acceptor splice site typically lead to a loss of protein function (PMID: 16199547), and loss-of-function variants in ADGRV1 are known to be pathogenic (PMID: 19357117, 22135276, 22147658, 26226137, 30718709, 31047384, 32467589). This variant is not present in population databases (gnomAD no frequency). Disruption of this splice site has been observed in individual(s) with clinical features of Usher syndrome (PMID: 27460420; internal data). ClinVar contains an entry for this variant (Variation ID: 866395). Algorithms developed to predict the effect of sequence changes on RNA splicing suggest that this variant may disrupt the consensus splice site. For these reasons, this variant has been classified as Pathogenic.

Blueprint Genetics
Classification: Pathogenic for ADGRV1-related disorders. Last evaluated: 2019-07-10. Review status: criteria provided, single submitter. Criteria: ACMG Guidelines, 2015. Collection method: clinical testing. Allele origin: germline. Affected: yes. Observed: 1 variant allele.

Literature cited by the submitters: PubMed 16199547 (cited by Labcorp Genetics (formerly Invitae), Labcorp); PubMed 19357117 (cited by Labcorp Genetics (formerly Invitae), Labcorp); PubMed 22135276 (cited by Labcorp Genetics (formerly Invitae), Labcorp); PubMed 22147658 (cited by Labcorp Genetics (formerly Invitae), Labcorp); PubMed 26226137 (cited by Labcorp Genetics (formerly Invitae), Labcorp); PubMed 30718709 (cited by Labcorp Genetics (formerly Invitae), Labcorp); PubMed 31047384 (cited by Labcorp Genetics (formerly Invitae), Labcorp); PubMed 32467589 (cited by Labcorp Genetics (formerly Invitae), Labcorp); PubMed 27460420 (cited by Labcorp Genetics (formerly Invitae), Labcorp).

NM_032119.4(ADGRV1):c.9906+1G>A

Gene: ADGRV1 (adhesion G protein-coupled receptor V1; plus strand). Cytogenetic location: 5q14.3.
Variant type: single nucleotide variant.
Coding change: c.9906+1G>A on transcript NM_032119.4 (MANE Select); the canonical splice donor site of the intron after coding-DNA position 9906, G replaced by A.
Molecular consequence: splice donor variant.
Genome position (GRCh38, 1-based): chr5:90,724,990, G>A. VCF-style: chr5-90724990-G-A. GRCh37 (hg19) VCF-style: chr5-90020807-G-A.
Identifiers: ClinVar variation 866395 (VCV000866395.3), dbSNP rs1751572548, ClinGen allele CA360402790.